The following is an entry in ClinVar:

NM_022124.6(CDH23):c.4864_4910del (p.Val1622fs)

Gene: CDH23 (cadherin related 23; plus strand). Cytogenetic location: 10q22.1.
Variant type: Deletion.
Coding change: c.4864_4910del on transcript NM_022124.6 (MANE Select); coding-DNA positions 4864 to 4910, 47 bases deleted.
Protein change: p.Val1622fs; shifts the reading frame from valine 1622.
Molecular consequence: frameshift variant.
Genome position (GRCh38, 1-based): chr10:71,777,698-71,777,744, 47 bases deleted; deleting any 47 consecutive bases within chr10:71,777,697-71,777,744 gives the same sequence; the c. name uses the placement nearest the transcript's 3' end. GRCh37 (hg19): chr10:73,537,455-73,537,501.
Other names: short protein forms V1622fs.
Identifiers: ClinVar variation 4724756 (VCV004724756.1).

ClinVar aggregate classification (germline): Pathogenic (1 of 4 stars; one submission).

Submission:

Labcorp Genetics (formerly Invitae), Labcorp
Classification: Pathogenic. Last evaluated: 2025-08-03. Review status: criteria provided, single submitter. Criteria: Invitae Variant Classification Sherloc (09022015). Collection method: clinical testing. Allele origin: germline.
Comment: This sequence change creates a premature translational stop signal (p.Val1622Profs*3) in the CDH23 gene. It is expected to result in an absent or disrupted protein product. Loss-of-function variants in CDH23 are known to be pathogenic (PMID: 11138009, 21940737). This variant is not present in population databases (gnomAD no frequency). This variant has not been reported in the literature in individuals affected with CDH23-related conditions. For these reasons, this variant has been classified as Pathogenic.

Literature cited by the submitters: PubMed 11138009; PubMed 21940737.